The following is an entry in ClinVar:

ClinVar aggregate classification (germline): Pathogenic/Likely pathogenic. Review status: criteria provided, multiple submitters, no conflicts (2 of 4 stars). 2 submissions from 2 submitters: Pathogenic (1); Likely pathogenic (1). Last evaluated 2025-03-05.

Conditions:
Combined immunodeficiency due to DOCK8 deficiency (HIES2). Also called: HIES autosomal recessive; Hyper-IgE recurrent infection syndrome, autosomal recessive; HYPER-IgE RECURRENT INFECTION SYNDROME 2, AUTOSOMAL RECESSIVE; DOCK8 Deficiency; HYPER-IgE SYNDROME 2, AUTOSOMAL RECESSIVE, WITH RECURRENT INFECTIONS. Identifiers: Orphanet 217390, MedGen C4722305, MONDO:0009478, OMIM 243700.

gnomAD v4.1: 1 of 1,614,114 alleles (0.000062%); highest among the groups gnomAD compares: South Asian, 0.0011%; no homozygotes.

Submissions (2):

Variantyx, Inc.
Classification: Likely pathogenic for Combined immunodeficiency due to DOCK8 deficiency. Last evaluated: 2025-03-05. Review status: criteria provided, single submitter. Criteria: Variantyx Assertion Criteria 2022. Collection method: clinical testing. Allele origin: germline.
Comment: This is a nonsense variant in the DOCK8 gene (OMIM: 611432). Pathogenic variants in this gene have been associated with autosomal recessive hyper-IgE recurrent infection syndrome. This variant introduces a premature termination codon in exon 25 out of 48. It is expected to result in loss of function, which is a known disease mechanism for DOCK8 in this disorder (PMID: 14722525, 19776401) (PVS1). This variant has a 0.0014% maximum allele frequency in non-founder control populations (PM2_Supporting). This variant has not been reported in individuals with DOCK8-related disorders in the databases available for review. Based on the current evidence, this variant is classified as likely pathogenic for autosomal recessive hyper-IgE recurrent infection syndrome.

Labcorp Genetics (formerly Invitae), Labcorp
Classification: Pathogenic for Combined immunodeficiency due to DOCK8 deficiency. Last evaluated: 2024-04-30. Review status: criteria provided, single submitter. Criteria: Invitae Variant Classification Sherloc (09022015). Collection method: clinical testing. Allele origin: germline.
Comment: This sequence change creates a premature translational stop signal (p.Gln996*) in the DOCK8 gene. It is expected to result in an absent or disrupted protein product. Loss-of-function variants in DOCK8 are known to be pathogenic (PMID: 14722525, 19776401). This variant is not present in population databases (gnomAD no frequency). This variant has not been reported in the literature in individuals affected with DOCK8-related conditions. For these reasons, this variant has been classified as Pathogenic.

Literature cited by the submitters: PubMed 14722525 (cited by Labcorp Genetics (formerly Invitae), Labcorp); PubMed 19776401 (cited by Labcorp Genetics (formerly Invitae), Labcorp).

NM_203447.4(DOCK8):c.2986C>T (p.Gln996Ter)

Gene: DOCK8 (dedicator of cytokinesis 8; plus strand). Cytogenetic location: 9p24.3.
Variant type: single nucleotide variant.
Coding change: c.2986C>T on transcript NM_203447.4 (MANE Select); coding-DNA position 2986, C replaced by T.
Protein change: p.Gln996Ter; replaces glutamine 996 with a stop codon.
Molecular consequence: nonsense.
Genome position (GRCh38, 1-based): chr9:396,800, C>T. VCF-style: chr9-396800-C-T. GRCh37 (hg19) VCF-style: chr9-396800-C-T.
Other names: c.2686C>T, p.Gln896Ter (NM_001190458.2); c.2782C>T, p.Gln928Ter (NM_001193536.2); short protein forms Q896*, Q996*, Q928*.
Identifiers: ClinVar variation 3650373 (VCV003650373.3).